The following is an entry in ClinVar:

ClinVar aggregate classification (germline): Uncertain significance (1 of 4 stars; one submission).

Conditions:
Multiple sulfatase deficiency (MSD). Also called: Mucosulfatidosis; Multiple Sulfatase Deficiency Disease; Sulfatidosis, Juvenile, Austin Type. Identifiers: Orphanet 585, MedGen C0268263, MONDO:0010088, OMIM 272200.

Submission:

Myriad Genetics, Inc.
Classification: Uncertain significance for Multiple sulfatase deficiency. Last evaluated: 2025-09-05. Review status: criteria provided, single submitter. Criteria: Myriad Autosomal Dominant, Autosomal Recessive and X-Linked Classification Criteria (2023). Collection method: clinical testing. Allele origin: unknown.
Comment: NM_182760.3(SUMF1):c.1045C>G(R349G) is a missense variant classified as a variant of uncertain significance in the context of multiple sulfatase deficiency. R349G has been observed in a case with relevant disease (PMID: 19697114). Relevant functional assessments of this variant are not available in the literature. Internal structural analysis of the variant is supportive of pathogenicity. R349G has not been observed in referenced population frequency databases. In summary, there is insufficient evidence to classify NM_182760.3(SUMF1):c.1045C>G(R349G) as pathogenic or benign. Please note: this variant was assessed in the context of healthy population screening.

Literature cited by the submitters: PubMed 19697114.

NM_182760.4(SUMF1):c.1045C>G (p.Arg349Gly)

Gene: SUMF1 (sulfatase modifying factor 1; minus strand). Cytogenetic location: 3p26.1.
Variant type: single nucleotide variant.
Coding change: c.1045C>G on transcript NM_182760.4 (MANE Select); coding-DNA position 1045, C replaced by G.
Protein change: p.Arg349Gly; replaces arginine 349 with glycine.
Molecular consequence: missense variant.
Genome position (GRCh38, 1-based): chr3:4,362,224, G>C on the plus strand (C>G on the coding strand, the complement: SUMF1 is on the minus strand). VCF-style: chr3-4362224-G-C. GRCh37 (hg19) VCF-style: chr3-4403908-G-C.
Other names: c.970C>G, p.Arg324Gly (NM_001164674.2); c.985C>G, p.Arg329Gly (NM_001164675.2); short protein forms R349G, R324G, R329G.
Identifiers: ClinVar variation 5003260 (VCV005003260.1).